The following is an entry in ClinVar:

NM_002778.4(PSAP):c.1040C>T (p.Ser347Leu)

Gene: PSAP (prosaposin; minus strand). Cytogenetic location: 10q22.1.
Variant type: single nucleotide variant.
Coding change: c.1040C>T on transcript NM_002778.4 (MANE Select); coding-DNA position 1040, C replaced by T.
Protein change: p.Ser347Leu; replaces serine 347 with leucine.
Molecular consequence: missense variant.
Genome position (GRCh38, 1-based): chr10:71,819,866, G>A on the plus strand (C>T on the coding strand, the complement: PSAP is on the minus strand). VCF-style: chr10-71819866-G-A. GRCh37 (hg19) VCF-style: chr10-73579623-G-A.
Other names: c.1049C>T, p.Ser350Leu (NM_001042465.3); c.1046C>T, p.Ser349Leu (NM_001042466.3); short protein forms S347L, S349L, S350L.
Identifiers: ClinVar variation 1408001 (VCV001408001.5), dbSNP rs768846459, ClinGen allele CA5547500.

ClinVar aggregate classification (germline): Uncertain significance (1 of 4 stars; one submission).

Conditions:
Sphingolipid activator protein 1 deficiency. Also called: Saposin B Deficiency; Metachromatic leukodystrophy due to saposin B deficiency; METACHROMATIC LEUKODYSTROPHY DUE TO CEREBROSIDE SULFATASE ACTIVATOR DEFICIENCY. Identifiers: Orphanet 512, MedGen C0268262, MONDO:0009590, OMIM 249900.

Allele frequency attached by ClinVar (database versions not stated): gnomAD 0.00001; TOPMed 0.00001.
gnomAD v4.1: 25 of 1,613,992 alleles (0.0015%); highest among the groups gnomAD compares: South Asian, 0.0055%; no homozygotes.

Submission:

Labcorp Genetics (formerly Invitae), Labcorp
Classification: Uncertain significance for Sphingolipid activator protein 1 deficiency. Last evaluated: 2022-05-31. Review status: criteria provided, single submitter. Criteria: Invitae Variant Classification Sherloc (09022015). Collection method: clinical testing. Allele origin: germline.
Comment: This sequence change replaces serine, which is neutral and polar, with leucine, which is neutral and non-polar, at codon 347 of the PSAP protein (p.Ser347Leu). This variant is present in population databases (rs768846459, gnomAD 0.01%). This variant has not been reported in the literature in individuals affected with PSAP-related conditions. ClinVar contains an entry for this variant (Variation ID: 1408001). Algorithms developed to predict the effect of missense changes on protein structure and function output the following: SIFT: "Not Available"; PolyPhen-2: "Benign"; Align-GVGD: "Not Available". The leucine amino acid residue is found in multiple mammalian species, which suggests that this missense change does not adversely affect protein function. In summary, the available evidence is currently insufficient to determine the role of this variant in disease. Therefore, it has been classified as a Variant of Uncertain Significance.